The following is an entry in ClinVar:

ClinVar aggregate classification (germline): Uncertain significance (1 of 4 stars; one submission).

Submission:

CeGaT Center for Human Genetics Tuebingen
Classification: Uncertain significance. Last evaluated: 2024-07-01. Review status: criteria provided, single submitter. Criteria: CeGaT Center For Human Genetics Tuebingen Variant Classification Criteria Version 2. Collection method: clinical testing. Allele origin: germline. Affected: yes. Observed: 1 variant allele.
Comment: MTOR: PM2

NM_004958.4(MTOR):c.4404C>A (p.Asp1468Glu)

Gene: MTOR (mechanistic target of rapamycin kinase; minus strand). Cytogenetic location: 1p36.22.
Variant type: single nucleotide variant.
Coding change: c.4404C>A on transcript NM_004958.4 (MANE Select); coding-DNA position 4404, C replaced by A.
Protein change: p.Asp1468Glu; replaces aspartic acid 1468 with glutamic acid.
Molecular consequence: missense variant.
Genome position (GRCh38, 1-based): chr1:11,157,217, G>T on the plus strand (C>A on the coding strand, the complement: MTOR is on the minus strand). VCF-style: chr1-11157217-G-T. GRCh37 (hg19) VCF-style: chr1-11217274-G-T.
Other names: c.4404C>A, p.Asp1468Glu (NM_001386500.1); c.3156C>A, p.Asp1052Glu (NM_001386501.1); short protein forms D1052E, D1468E.
Identifiers: ClinVar variation 3257198 (VCV003257198.17).
Genomic context (GRCh38, chr1:11,157,217, plus strand): 5'-CCCCAAGGCCTCGAGGCAGCGCATGCGGCCCAGCATCAGCTCTGGGTCGTCCTTGTTGGT[G>T]TCCATTTTCTTGTCATAGGCCACAAGGGCATCCTCCCACTCGTGCAGTTTCTCATACCAG-3'
Protein context (NP_004949.1, residues 1458-1478): DALVAYDKKM[Asp1468Glu]TNKDDPELML